The following is an entry in ClinVar:

NM_015295.3(SMCHD1):c.2616A>T (p.Leu872Phe)

Gene: SMCHD1 (structural maintenance of chromosomes flexible hinge domain containing 1; plus strand). Cytogenetic location: 18p11.32.
Variant type: single nucleotide variant.
Coding change: c.2616A>T on transcript NM_015295.3 (MANE Select); coding-DNA position 2616, A replaced by T.
Protein change: p.Leu872Phe; replaces leucine 872 with phenylalanine.
Molecular consequence: missense variant.
Genome position (GRCh38, 1-based): chr18:2,724,911, A>T. VCF-style: chr18-2724911-A-T. GRCh37 (hg19) VCF-style: chr18-2724909-A-T.
Other names: short protein forms L872F.
Identifiers: ClinVar variation 1442947 (VCV001442947.6), dbSNP rs1405635744, ClinGen allele CA401681962.

ClinVar aggregate classification (germline): Uncertain significance (1 of 4 stars; one submission).

Conditions:
Facioscapulohumeral muscular dystrophy 2 (FSHD2). Also called: MUSCULAR DYSTROPHY, FACIOSCAPULOHUMERAL, TYPE 1B; FACIOSCAPULOHUMERAL MUSCULAR DYSTROPHY 2, DIGENIC; FSHD2, DIGENIC. Identifiers: Orphanet 269, MedGen C1834671, MONDO:0008031, OMIM 158901.

Allele frequency attached by ClinVar (database versions not stated): gnomAD exomes below 0.00001.
gnomAD v4.1: 2 of 1,578,202 alleles (0.00013%); highest among the groups gnomAD compares: East Asian, 0.0023%; no homozygotes.

Submission:

Labcorp Genetics (formerly Invitae), Labcorp
Classification: Uncertain significance for Facioscapulohumeral muscular dystrophy 2. Last evaluated: 2021-11-05. Review status: criteria provided, single submitter. Criteria: Invitae Variant Classification Sherloc (09022015). Collection method: clinical testing. Allele origin: germline.
Comment: This variant has not been reported in the literature in individuals affected with SMCHD1-related conditions. The frequency data for this variant in the population databases is considered unreliable, as metrics indicate poor data quality at this position in the gnomAD database. This sequence change replaces leucine, which is neutral and non-polar, with phenylalanine, which is neutral and non-polar, at codon 872 of the SMCHD1 protein (p.Leu872Phe). Algorithms developed to predict the effect of missense changes on protein structure and function are either unavailable or do not agree on the potential impact of this missense change (SIFT: "Deleterious"; PolyPhen-2: "Possibly Damaging"; Align-GVGD: "Class C0"). In summary, the available evidence is currently insufficient to determine the role of this variant in disease. Therefore, it has been classified as a Variant of Uncertain Significance.